The following is an entry in ClinVar:

NM_005228.5(EGFR):c.3371A>G (p.His1124Arg)

Gene: EGFR (epidermal growth factor receptor; plus strand). Cytogenetic location: 7p11.2.
Variant type: single nucleotide variant.
Coding change: c.3371A>G on transcript NM_005228.5 (MANE Select); coding-DNA position 3371, A replaced by G.
Protein change: p.His1124Arg; replaces histidine 1124 with arginine.
Molecular consequence: missense variant.
Genome position (GRCh38, 1-based): chr7:55,205,355, A>G. VCF-style: chr7-55205355-A-G. GRCh37 (hg19) VCF-style: chr7-55273048-A-G.
Other names: c.3236A>G, p.His1079Arg (NM_001346899.2); c.3212A>G, p.His1071Arg (NM_001346900.2); c.2570A>G, p.His857Arg (NM_001346941.2); short protein forms H1079R, H857R, H1071R, H1124R.
Identifiers: ClinVar variation 1983552 (VCV001983552.5), dbSNP rs1788066890, ClinGen allele CA367584467.

ClinVar aggregate classification (germline): Uncertain significance. Review status: criteria provided, multiple submitters, no conflicts (2 of 4 stars). 2 submissions from 2 submitters: Uncertain significance (2). Last evaluated 2025-11-30.

Conditions:
EGFR-related lung cancer (EGFR). Identifiers: MedGen CN130014.
Hereditary cancer-predisposing syndrome. Also called: Tumor predisposition; Hereditary neoplastic syndrome; Neoplastic Syndromes, Hereditary; Hereditary Cancer Syndrome. Identifiers: Orphanet 140162, MedGen C0027672, MeSH D009386, MONDO:0015356.

Allele frequency attached by ClinVar (database versions not stated): gnomAD exomes below 0.00001; TOPMed below 0.00001; gnomAD 0.00001.
gnomAD v4.1: 3 of 1,613,124 alleles (0.00019%); highest among the groups gnomAD compares: South Asian, 0.0011%; no homozygotes.

Submissions (2):

Labcorp Genetics (formerly Invitae), Labcorp
Classification: Uncertain significance for EGFR-related lung cancer. Last evaluated: 2025-11-30. Review status: criteria provided, single submitter. Criteria: Invitae Variant Classification Sherloc (09022015). Collection method: clinical testing. Allele origin: germline.
Comment: This sequence change replaces histidine, which is basic and polar, with arginine, which is basic and polar, at codon 1124 of the EGFR protein (p.His1124Arg). This variant is not present in population databases (gnomAD no frequency). This variant has not been reported in the literature in individuals affected with EGFR-related conditions. ClinVar contains an entry for this variant (Variation ID: 1983552). An algorithm developed to predict the effect of missense changes on protein structure and function (PolyPhen-2) suggests that this variant is likely to be tolerated. In summary, the available evidence is currently insufficient to determine the role of this variant in disease. Therefore, it has been classified as a Variant of Uncertain Significance.

Ambry Genetics
Classification: Uncertain significance for Hereditary cancer-predisposing syndrome. Last evaluated: 2025-01-03. Review status: criteria provided, single submitter. Criteria: Ambry Variant Classification Scheme 2023. Collection method: clinical testing. Allele origin: germline.
Comment: The p.H1124R variant (also known as c.3371A>G), located in coding exon 28 of the EGFR gene, results from an A to G substitution at nucleotide position 3371. The histidine at codon 1124 is replaced by arginine, an amino acid with highly similar properties. This amino acid position is conserved. In addition, this alteration is predicted to be tolerated by in silico analysis. Based on the available evidence, the clinical significance of this variant remains unclear.